The following is an entry in ClinVar:

NM_024753.5(TTC21B):c.670G>A (p.Ala224Thr)

Genes: TTC21B-AS1 (TTC21B antisense RNA 1; plus strand), TTC21B (tetratricopeptide repeat domain 21B; minus strand). Cytogenetic location: 2q24.3.
Variant type: single nucleotide variant.
Coding change: c.670G>A on transcript NM_024753.5 (MANE Select); coding-DNA position 670, G replaced by A.
Protein change: p.Ala224Thr; replaces alanine 224 with threonine.
Molecular consequence: missense variant.
Genome position (GRCh38, 1-based): chr2:165,941,067, C>T on the plus strand (G>A on the coding strand, the complement: TTC21B is on the minus strand). VCF-style: chr2-165941067-C-T. GRCh37 (hg19) VCF-style: chr2-166797577-C-T.
Other names: short protein forms A224T.
Identifiers: ClinVar variation 1491009 (VCV001491009.6), dbSNP rs1423263208, ClinGen allele CA349050746.

ClinVar aggregate classification (germline): Uncertain significance (1 of 4 stars; one submission).

Conditions:
Nephronophthisis. Also called: Juvenile Nephronophthisis. Identifiers: Orphanet 655, MedGen C0687120, MONDO:0019005, HP:0000090.
Jeune thoracic dystrophy. Also called: Jeune syndrome; Infantile thoracic dystrophy; Thoracic pelvic phalangeal dystrophy; Jeune's syndrome; Chondroectodermal dysplasia-like syndrome; Short-rib thoracic dysplasia. Identifiers: Orphanet 474, MedGen C0265275, MONDO:0018770.

Allele frequency attached by ClinVar (database versions not stated): TOPMed below 0.00001; gnomAD 0.00001.
gnomAD v4.1: 1 of 1,613,814 alleles (0.000062%); highest among the groups gnomAD compares: African/African-American, 0.0013%; no homozygotes.

Submission:

Labcorp Genetics (formerly Invitae), Labcorp
Classification: Uncertain significance for Jeune thoracic dystrophy; Nephronophthisis. Last evaluated: 2022-08-15. Review status: criteria provided, single submitter. Criteria: Invitae Variant Classification Sherloc (09022015). Collection method: clinical testing. Allele origin: germline.
Comment: In summary, the available evidence is currently insufficient to determine the role of this variant in disease. Therefore, it has been classified as a Variant of Uncertain Significance. Algorithms developed to predict the effect of missense changes on protein structure and function (SIFT, PolyPhen-2, Align-GVGD) all suggest that this variant is likely to be tolerated. ClinVar contains an entry for this variant (Variation ID: 1491009). This variant has not been reported in the literature in individuals affected with TTC21B-related conditions. This variant is not present in population databases (gnomAD no frequency). This sequence change replaces alanine, which is neutral and non-polar, with threonine, which is neutral and polar, at codon 224 of the TTC21B protein (p.Ala224Thr).